The following is an entry in ClinVar:

NM_004519.4(KCNQ3):c.116A>G (p.Glu39Gly)

Gene: KCNQ3 (potassium voltage-gated channel subfamily Q member 3; minus strand). Cytogenetic location: 8q24.22.
Variant type: single nucleotide variant.
Coding change: c.116A>G on transcript NM_004519.4 (MANE Select); coding-DNA position 116, A replaced by G.
Protein change: p.Glu39Gly; replaces glutamic acid 39 with glycine.
Molecular consequence: missense variant.
Genome position (GRCh38, 1-based): chr8:132,480,417, T>C on the plus strand (A>G on the coding strand, the complement: KCNQ3 is on the minus strand). VCF-style: chr8-132480417-T-C. GRCh37 (hg19) VCF-style: chr8-133492664-T-C.
Other names: c.116A>G (NM_004519.3); short protein forms E39G.
Identifiers: ClinVar variation 1040473 (VCV001040473.7), dbSNP rs1822522895, ClinGen allele CA372292864.
Genomic context (GRCh38, chr8:132,480,417, plus strand): 5'-GCCCCGAGCGCCAAGGTGACTTGCTCCACGTCGCCGGGCGCCAGCCCCACTTTCCGCTCC[T>C]CGTCGCCGGCCGCCGCCGCGTCCCCTCCGGCTGGGTTAGCCGCCCCGCCGCCTCCGCCGC-3'
Protein context (NP_004510.1, residues 29-49): AGGDAAAAGD[Glu39Gly]ERKVGLAPGD

ClinVar aggregate classification (germline): Uncertain significance. Review status: criteria provided, multiple submitters, no conflicts (2 of 4 stars). 2 submissions from 2 submitters: Uncertain significance (2). Last evaluated 2023-07-10.

Conditions:
Benign neonatal seizures. Also called: Benign familial neonatal epilepsy; Benign familial neonatal seizures; Convulsions benign familial neonatal dominant form; Autosomal dominant form of benign neonatal seizures; Benign neonatal familial convulsions. Identifiers: Orphanet 1949, MedGen C0220669, MONDO:0016027.
KCNQ3-related disorder. Also called: KCNQ3-related condition; KCNQ3-Related Disorders. Identifiers: MedGen CN381530.

Allele frequency attached by ClinVar (database versions not stated): gnomAD 0.00001; TOPMed 0.00001.

Submissions (2):

Labcorp Genetics (formerly Invitae), Labcorp
Classification: Uncertain significance for Benign neonatal seizures. Last evaluated: 2023-07-10. Review status: criteria provided, single submitter. Criteria: Invitae Variant Classification Sherloc (09022015). Collection method: clinical testing. Allele origin: germline.
Comment: In summary, the available evidence is currently insufficient to determine the role of this variant in disease. Therefore, it has been classified as a Variant of Uncertain Significance. Advanced modeling of protein sequence and biophysical properties (such as structural, functional, and spatial information, amino acid conservation, physicochemical variation, residue mobility, and thermodynamic stability) performed at Invitae indicates that this missense variant is not expected to disrupt KCNQ3 protein function. ClinVar contains an entry for this variant (Variation ID: 1040473). This variant has not been reported in the literature in individuals affected with KCNQ3-related conditions. This variant is not present in population databases (gnomAD no frequency). This sequence change replaces glutamic acid, which is acidic and polar, with glycine, which is neutral and non-polar, at codon 39 of the KCNQ3 protein (p.Glu39Gly).

PreventionGenetics, part of Exact Sciences
Classification: Uncertain significance for KCNQ3-related condition. Last evaluated: 2023-01-28. Review status: criteria provided, single submitter. Criteria: ACMG Guidelines, 2015. Collection method: clinical testing. Allele origin: germline.
Comment: The KCNQ3 c.116A>G variant is predicted to result in the amino acid substitution p.Glu39Gly. To our knowledge, this variant has not been reported in the literature or in a large population database, indicating this variant is rare. At this time, the clinical significance of this variant is uncertain due to the absence of conclusive functional and genetic evidence.